The following is an entry in ClinVar:

ClinVar aggregate classification (germline): Benign (1 of 4 stars; one submission).

Conditions:
Oligodontia-cancer predisposition syndrome. Also called: TOOTH AGENESIS-COLORECTAL CANCER SYNDROME. Identifiers: Orphanet 300576, MedGen C1837750, MONDO:0012075, OMIM 608615. Disease mechanism: loss of function.

Submission:

Myriad Genetics, Inc.
Classification: Benign for Oligodontia-cancer predisposition syndrome. Last evaluated: 2024-09-25. Review status: criteria provided, single submitter. Criteria: Myriad Autosomal Dominant, Autosomal Recessive and X-Linked Classification Criteria (2023). Collection method: clinical testing. Allele origin: unknown.
Comment: This variant is considered benign. This variant occurs in the non-coding 3' untranslated region of the gene, and is not expected to impact protein function.

NM_004655.4(AXIN2):c.*9dup

Gene: AXIN2 (axin 2; minus strand). Cytogenetic location: 17q24.1.
Variant type: Duplication.
Coding change: c.*9dup on transcript NM_004655.4 (MANE Select); 9 bases downstream of the stop codon, one base duplicated (G; older notation c.*9dupG).
Molecular consequence: 3 prime UTR variant.
Genome position (GRCh38, 1-based): chr17:65,529,967, C duplicated on the plus strand (G on the coding strand, the reverse complement: AXIN2 is on the minus strand); the first of 4 consecutive C bases (chr17:65,529,967-65,529,970); duplicating any one gives the same sequence. VCF-style (leftmost placement, unchanged base first): chr17-65529966-A-AC. GRCh37 (hg19) VCF-style: chr17-63526084-A-AC.
Other names: c.*9dup (NM_001363813.1).
Identifiers: ClinVar variation 3379126 (VCV003379126.1).